The following is an entry in ClinVar:

ClinVar aggregate classification (germline): Benign/Likely benign. Review status: criteria provided, multiple submitters, no conflicts (2 of 4 stars). 7 submissions from 6 submitters: Benign (3); Likely benign (4). Last evaluated 2026-01-19.

Conditions:
Ehlers-Danlos syndrome, classic type (cEDS). Identifiers: Orphanet 287, MedGen C4225429, MONDO:0007522.
Familial thoracic aortic aneurysm and aortic dissection (TAAD). Also called: Thoracic aortic aneurysms and dissections. Identifiers: Orphanet 91387, MedGen C4707243, MONDO:0019625.
Fibromuscular dysplasia, multifocal. Identifiers: MedGen C5543412, MONDO:0859151, OMIM 619329.
Ehlers-Danlos syndrome, classic type, 1 (EDSCL1). Also called: Ehlers-Danlos syndrome, type 1; EHLERS-DANLOS SYNDROME, GRAVIS TYPE; EHLERS-DANLOS SYNDROME, SEVERE CLASSIC TYPE; Ehlers-Danlos Syndrome, Classic Type, COL5A1-Related; EDS I. Identifiers: MedGen C0268335, MONDO:0019567, OMIM 130000.

Allele frequency attached by ClinVar (database versions not stated): ESP Exome Variant Server 0.00062; TOPMed 0.00063; gnomAD 0.00083; 1000 Genomes Project 0.00180; 1000 Genomes Project 30x 0.00187.
gnomAD v4.1: 209 of 1,614,238 alleles (0.013%); highest among the groups gnomAD compares: African/African-American, 0.23%; 2 homozygotes.

Submissions (7):

Labcorp Genetics (formerly Invitae), Labcorp
Classification: Likely benign for Ehlers-Danlos syndrome, classic type, 1. Last evaluated: 2026-01-19. Review status: criteria provided, single submitter. Criteria: Invitae Variant Classification Sherloc (09022015). Collection method: clinical testing. Allele origin: germline.

Blueprint Genetics
Classification: Likely benign. Last evaluated: 2024-01-09. Review status: criteria provided, single submitter. Criteria: ACMG Guidelines, 2015. Collection method: clinical testing. Allele origin: germline.

Genome-Nilou Lab
Classification: Benign for Ehlers-Danlos syndrome, classic type, 1. Last evaluated: 2022-03-15. Review status: criteria provided, single submitter. Criteria: ACMG Guidelines, 2015. Collection method: clinical testing. Allele origin: germline. Affected: no.

Genome-Nilou Lab
Classification: Benign for Fibromuscular dysplasia, multifocal. Last evaluated: 2022-03-15. Review status: criteria provided, single submitter. Criteria: ACMG Guidelines, 2015. Collection method: clinical testing. Allele origin: germline. Affected: no.

GeneDx
Classification: Likely benign. Last evaluated: 2021-05-21. Review status: criteria provided, single submitter. Criteria: GeneDx Variant Classification Process June 2021. Collection method: clinical testing. Allele origin: germline. Affected: yes.

Ambry Genetics
Classification: Likely benign for Familial thoracic aortic aneurysm and aortic dissection. Last evaluated: 2019-03-26. Review status: criteria provided, single submitter. Criteria: Ambry Variant Classification Scheme 2023. Collection method: clinical testing. Allele origin: germline.

Illumina Laboratory Services, Illumina
Classification: Benign for Ehlers-Danlos syndrome, classic type, 1. Last evaluated: 2018-01-13. Review status: criteria provided, single submitter. Criteria: ICSL Variant Classification Criteria 13 December 2019. Collection method: clinical testing. Allele origin: germline.
Comment: This variant was observed in the ICSL laboratory as part of a predisposition screen in an ostensibly healthy population. It had not been previously curated by ICSL or reported in the Human Gene Mutation Database (HGMD: prior to June 1st, 2018), and was therefore a candidate for classification through an automated scoring system. Utilizing variant allele frequency, disease prevalence and penetrance estimates, and inheritance mode, an automated score was calculated to assess if this variant is too frequent to cause the disease. Based on the score and internal cut-off values, a variant classified as benign is not then subjected to further curation. The score for this variant resulted in a classification of benign for this disease.

NM_000093.5(COL5A1):c.4795G>C (p.Glu1599Gln)

Genes: COL5A1 (collagen type V alpha 1 chain; plus strand), LOC101448202 (uncharacterized LOC101448202; minus strand). Cytogenetic location: 9q34.3.
Variant type: single nucleotide variant.
Coding change: c.4795G>C on transcript NM_000093.5 (MANE Select); coding-DNA position 4795, G replaced by C.
Protein change: p.Glu1599Gln; replaces glutamic acid 1599 with glutamine.
Molecular consequence: missense variant.
Genome position (GRCh38, 1-based): chr9:134,824,696, G>C. VCF-style: chr9-134824696-G-C. GRCh37 (hg19) VCF-style: chr9-137716542-G-C.
Other names: c.4795G>C, p.Glu1599Gln (NM_001278074.1); short protein forms E1599Q.
Identifiers: ClinVar variation 365731 (VCV000365731.23), dbSNP rs149212775, ClinGen allele CA5320477.